The following is an entry in ClinVar:

NM_003413.4(ZIC3):c.755C>A (p.Ser252Ter)

Gene: ZIC3 (Zic family zinc finger 3; plus strand). Cytogenetic location: Xq26.3.
Variant type: single nucleotide variant.
Coding change: c.755C>A on transcript NM_003413.4 (MANE Select); coding-DNA position 755, C replaced by A.
Protein change: p.Ser252Ter; replaces serine 252 with a stop codon.
Molecular consequence: nonsense.
Genome position (GRCh38, 1-based): chrX:137,567,446, C>A. VCF-style: chrX-137567446-C-A. GRCh37 (hg19) VCF-style: chrX-136649605-C-A.
Other names: c.755C>A, p.Ser252Ter (NM_001330661.1); short protein forms S252*.
Identifiers: ClinVar variation 545552 (VCV000545552.5), dbSNP rs1203069392, ClinGen allele CA414770615.

ClinVar aggregate classification (germline): Pathogenic. Review status: criteria provided, single submitter (1 of 4 stars). 2 submissions from 2 submitters: Pathogenic (1). 1 of the submissions does not count toward it. Last evaluated 2025-12-08.

Conditions:
Heterotaxy, visceral, 1, X-linked (HTX1). Also called: Laterality, X-linked; Visceral heterotaxia; SITUS INVERSUS, COMPLEX CARDIAC DEFECTS, AND SPLENIC DEFECTS, X-LINKED; DEXTROCARDIA WITH OTHER CARDIAC MALFORMATIONS. Identifiers: Orphanet 450, MedGen C1844020, MONDO:0010607, OMIM 306955.

Submissions (2):

Labcorp Genetics (formerly Invitae), Labcorp
Classification: Pathogenic for Heterotaxy, visceral, 1, X-linked. Last evaluated: 2025-12-08. Review status: criteria provided, single submitter. Criteria: Invitae Variant Classification Sherloc (09022015). Collection method: clinical testing. Allele origin: germline.
Comment: This sequence change creates a premature translational stop signal (p.Ser252*) in the ZIC3 gene. It is expected to result in an absent or disrupted protein product. Loss-of-function variants in ZIC3 are known to be pathogenic (PMID: 24123890). This variant is not present in population databases (gnomAD no frequency). This premature translational stop signal has been observed in individual(s) with clinical features of ZIC3-related conditions (PMID: 30622330). ClinVar contains an entry for this variant (Variation ID: 545552). For these reasons, this variant has been classified as Pathogenic.

Lupski Lab, Baylor-Hopkins CMG, Baylor College of Medicine
Classification: Pathogenic for Heterotaxy, visceral, 1, X-linked. Last evaluated: 2018-05-28. Review status: no assertion criteria provided. Collection method: research. Allele origin: germline. Affected: yes. Observed: 1 variant allele. Not counted in ClinVar's aggregate classification.

Literature cited by the submitters: PubMed 24123890 (cited by Labcorp Genetics (formerly Invitae), Labcorp); PubMed 30622330 (cited by Labcorp Genetics (formerly Invitae), Labcorp).